The following is an entry in ClinVar:

NM_025114.4(CEP290):c.3685_3686delinsG (p.Gln1229fs)

Gene: CEP290 (centrosomal protein 290; minus strand). Cytogenetic location: 12q21.32.
Variant type: Indel.
Coding change: c.3685_3686delinsG on transcript NM_025114.4 (MANE Select); coding-DNA positions 3685 to 3686, CA replaced by G.
Protein change: p.Gln1229fs; shifts the reading frame from glutamine 1229.
Molecular consequence: frameshift variant.
Genome position (GRCh38, 1-based): chr12:88,089,375-88,089,376, TG replaced by C on the plus strand (CA replaced by G on the coding strand, the reverse complement: CEP290 is on the minus strand). VCF-style: chr12-88089375-TG-C. GRCh37 (hg19) VCF-style: chr12-88483152-TG-C.
Other names: short protein forms Q1229fs.
Identifiers: ClinVar variation 5014306 (VCV005014306.1).

ClinVar aggregate classification (germline): Pathogenic (1 of 4 stars; one submission).

Conditions:
CEP290-related ciliopathy. Also called: CEP290 ciliopathy. Identifiers: MedGen CN305601, MONDO:0100451.

Submission:

Myriad Genetics, Inc.
Classification: Pathogenic for CEP290-related ciliopathy. Last evaluated: 2025-04-06. Review status: criteria provided, single submitter. Criteria: Myriad Autosomal Dominant, Autosomal Recessive and X-Linked Classification Criteria (2023). Collection method: clinical testing. Allele origin: unknown.
Comment: NM_025114.3(CEP290):c.3685_3686delCAinsG(Q1229Gfs*10) is expected to be pathogenic in the context of CEP290-related disorders. This variant is predicted to lead to an abnormal or absent protein product due to the creation of a premature termination codon in CEP290, a gene where loss-of-function variants are known to be pathogenic. Please note: this variant was assessed in the context of healthy population screening.